The following is an entry in ClinVar:

NM_024009.3(GJB3):c.670C>T (p.Arg224Ter)

Gene: GJB3 (gap junction protein beta 3; plus strand). Cytogenetic location: 1p34.3.
Variant type: single nucleotide variant.
Coding change: c.670C>T on transcript NM_024009.3 (MANE Select); coding-DNA position 670, C replaced by T.
Protein change: p.Arg224Ter; replaces arginine 224 with a stop codon.
Molecular consequence: nonsense.
Genome position (GRCh38, 1-based): chr1:34,785,432, C>T. VCF-style: chr1-34785432-C-T. GRCh37 (hg19) VCF-style: chr1-35251033-C-T.
Other names: c.670C>T, p.Arg224Ter (NM_001005752.2); short protein forms R224*.
Identifiers: ClinVar variation 1310993 (VCV001310993.12), dbSNP rs139005182, ClinGen allele CA754882.

ClinVar aggregate classification (germline): Uncertain significance. Review status: criteria provided, multiple submitters, no conflicts (2 of 4 stars). 5 submissions from 5 submitters: Uncertain significance (5). Last evaluated 2025-12-29.

Conditions:
Autosomal recessive nonsyndromic hearing loss 1A (DFNB1A). Also called: GJB6-Related DFNB 1 Nonsyndromic Hearing Loss and Deafness; Deafness, autosomal recessive 1A; Connexin 26 deafness; Deafness nonsyndromic, Connexin 26 linked; Nonsyndromic Hearing Loss and Deafness, DFNB1; GJB2-Related Autosomal Recessive Nonsyndromic Hearing Loss. Identifiers: Orphanet 90636, MedGen C2673759, MONDO:0009076, OMIM 220290.
Autosomal dominant nonsyndromic hearing loss 2B. Also called: DEAFNESS, AUTOSOMAL DOMINANT, WITH OR WITHOUT PERIPHERAL NEUROPATHY. Identifiers: Orphanet 90635, MedGen C2675236, MONDO:0012976, OMIM 612644.
Erythrokeratodermia variabilis et progressiva 1 (EKVP1). Also called: ERYTHROKERATODERMIA FIGURATA, CONGENITAL FAMILIAL, IN PLAQUES; ERYTHROKERATODERMIA VARIABILIS WITH ERYTHEMA GYRATUM REPENS; ERYTHROKERATODERMIA, PROGRESSIVE SYMMETRIC. Identifiers: Orphanet 317, MedGen C4551486, MONDO:0033010, OMIM 133200.

Submissions (5):

Labcorp Genetics (formerly Invitae), Labcorp
Classification: Uncertain significance. Last evaluated: 2025-12-29. Review status: criteria provided, single submitter. Criteria: Invitae Variant Classification Sherloc (09022015). Collection method: clinical testing. Allele origin: germline.
Comment: This sequence change creates a premature translational stop signal (p.Arg224*) in the GJB3 gene. While this is not anticipated to result in nonsense mediated decay, it is expected to disrupt the last 47 amino acid(s) of the GJB3 protein. This variant is present in population databases (rs139005182, gnomAD 0.008%). This variant has not been reported in the literature in individuals affected with GJB3-related conditions. ClinVar contains an entry for this variant (Variation ID: 1310993). Experimental studies and prediction algorithms are not available or were not evaluated, and the functional significance of this variant is currently unknown. In summary, the available evidence is currently insufficient to determine the role of this variant in disease. Therefore, it has been classified as a Variant of Uncertain Significance.

Blueprint Genetics
Classification: Uncertain significance. Last evaluated: 2024-10-24. Review status: criteria provided, single submitter. Criteria: ACMG Guidelines, 2015. Collection method: clinical testing. Allele origin: germline.

Department of Pathology and Laboratory Medicine, Sinai Health System
Classification: Uncertain significance for Erythrokeratodermia variabilis et progressiva 1; Autosomal recessive nonsyndromic hearing loss 1A; Autosomal dominant nonsyndromic hearing loss 2B. Last evaluated: 2023-01-19. Review status: criteria provided, single submitter. Criteria: ACMG Guidelines, 2015. Collection method: research. Allele origin: germline.

Clinical Genetics Laboratory, Skane University Hospital Lund
Classification: Uncertain significance. Last evaluated: 2022-05-27. Review status: criteria provided, single submitter. Criteria: ACMG Guidelines, 2015. Collection method: clinical testing. Allele origin: germline. Affected: yes.

GeneDx
Classification: Uncertain significance. Last evaluated: 2019-12-11. Review status: criteria provided, single submitter. Criteria: GeneDx Variant Classification Process June 2021. Collection method: clinical testing. Allele origin: germline. Affected: yes.
Comment: Nonsense variant predicted to result in protein truncation, although loss-of-function variants have not been reported downstream of this position in the protein; Has not been previously published as pathogenic or benign to our knowledge